The following is an entry in ClinVar:

ClinVar aggregate classification (germline): Uncertain significance. Review status: criteria provided, multiple submitters, no conflicts (2 of 4 stars). 2 submissions from 2 submitters: Uncertain significance (2). Last evaluated 2025-04-30.

Conditions:
Arrhythmogenic right ventricular cardiomyopathy (ARVD). Also called: Arrhythmogenic right ventricular dysplasia; Cardiomyopathy, ARVC; Arrhythmogenic cardiomyopathy; Arrhythmogenic Right Ventricular Cardiomyopathy (ARVC). Identifiers: Orphanet 247, MedGen C0349788, MeSH D019571, MONDO:0016587. Disease mechanism: loss of function. Inheritance: Various modes of inheritance.
Cardiovascular phenotype. Identifiers: MedGen CN230736.

gnomAD v4.1: 1 of 1,614,074 alleles (0.000062%); highest among the groups gnomAD compares: Non-Finnish European, 0.000085%; no homozygotes.

Submissions (2):

Ambry Genetics
Classification: Uncertain significance for Cardiovascular phenotype. Last evaluated: 2025-04-30. Review status: criteria provided, single submitter. Criteria: Ambry Variant Classification Scheme 2023. Collection method: clinical testing. Allele origin: germline.
Comment: The p.E713A variant (also known as c.2138A>C), located in coding exon 14 of the DSG2 gene, results from an A to C substitution at nucleotide position 2138. The glutamic acid at codon 713 is replaced by alanine, an amino acid with dissimilar properties. This amino acid position is conserved. In addition, this alteration is predicted to be tolerated by in silico analysis. Based on the available evidence, the clinical significance of this variant remains unclear.

All of Us Research Program, National Institutes of Health
Classification: Uncertain significance for Arrhythmogenic right ventricular cardiomyopathy. Last evaluated: 2024-09-23. Review status: criteria provided, single submitter. Criteria: ACMG Guidelines, 2015. Collection method: clinical testing. Allele origin: germline. Inheritance: Autosomal dominant inheritance. Observed: 1 variant allele, 1 heterozygote.
Comment: This study involves interpretation of variants in research participants for the purpose of population health screening. Participant phenotype was not available at the time of variant classification. Additional details can be found in publication PMID: 35346344, PMCID: PMC8962531

NM_001943.5(DSG2):c.2138A>C (p.Glu713Ala)

Genes: DSG2 (desmoglein 2; plus strand), DSG2-AS1 (DSG2 antisense RNA 1; minus strand). Cytogenetic location: 18q12.1.
Variant type: single nucleotide variant.
Coding change: c.2138A>C on transcript NM_001943.5 (MANE Select); coding-DNA position 2138, A replaced by C.
Protein change: p.Glu713Ala; replaces glutamic acid 713 with alanine.
Molecular consequence: missense variant.
Genome position (GRCh38, 1-based): chr18:31,542,656, A>C. VCF-style: chr18-31542656-A-C. GRCh37 (hg19) VCF-style: chr18-29122619-A-C.
Other names: short protein forms E713A.
Identifiers: ClinVar variation 3386596 (VCV003386596.3).